The following is an entry in ClinVar:

ClinVar aggregate classification (germline): Uncertain significance (1 of 4 stars; one submission).

Submission:

Labcorp Genetics (formerly Invitae), Labcorp
Classification: Uncertain significance. Last evaluated: 2022-03-04. Review status: criteria provided, single submitter. Criteria: Invitae Variant Classification Sherloc (09022015). Collection method: clinical testing. Allele origin: germline.
Comment: In summary, the available evidence is currently insufficient to determine the role of this variant in disease. Therefore, it has been classified as a Variant of Uncertain Significance. Experimental studies and prediction algorithms are not available or were not evaluated, and the functional significance of this variant is currently unknown. A similar copy number variant has been observed in individual(s) with clinical features of Stickler syndrome (Invitae). This variant is a gross deletion of the genomic region encompassing exon(s) 38 of the COL11A1 gene. This variant would be expected to be in-frame, preserving the integrity of the reading frame.

NC_000001.10:g.(?_103431023)_(103431116_?)del

Gene: COL11A1 (collagen type XI alpha 1 chain; minus strand). Cytogenetic location: 1p21.1.
Variant type: Deletion.
Identifiers: ClinVar variation 2424271 (VCV002424271.3).